The following is an entry in ClinVar:

ClinVar aggregate classification (germline): Uncertain significance (1 of 4 stars; one submission).

gnomAD v4.1: 4 of 1,614,218 alleles (0.00025%); highest among the groups gnomAD compares: Non-Finnish European, 0.00034%; no homozygotes.

Submission:

Women's Health and Genetics/Laboratory Corporation of America, LabCorp
Classification: Uncertain significance. Last evaluated: 2025-03-11. Review status: criteria provided, single submitter. Criteria: LabCorp Variant Classification Summary - May 2015. Collection method: clinical testing. Allele origin: germline.
Comment: Variant summary: C2CD3 c.4259G>T (p.Cys1420Phe) results in a non-conservative amino acid change in the encoded protein sequence. Four of five in-silico tools predict a damaging effect of the variant on protein function. The variant was absent in 251288 control chromosomes (gnomAD). The available data on variant occurrences in the general population are insufficient to allow any conclusion about variant significance. To our knowledge, no occurrence of c.4259G>T in individuals affected with Orofaciodigital Syndrome Type 14 and no experimental evidence demonstrating its impact on protein function have been reported. No submitters have cited clinical-significance assessments for this variant to ClinVar. Based on the evidence outlined above, the variant was classified as uncertain significance.

NM_001286577.2(C2CD3):c.4259G>T (p.Cys1420Phe)

Gene: C2CD3 (C2 domain containing 3 centriole elongation regulator; minus strand). Cytogenetic location: 11q13.4.
Variant type: single nucleotide variant.
Coding change: c.4259G>T on transcript NM_001286577.2 (MANE Select); coding-DNA position 4259, G replaced by T.
Protein change: p.Cys1420Phe; replaces cysteine 1420 with phenylalanine.
Molecular consequence: missense variant.
Genome position (GRCh38, 1-based): chr11:74,078,459, C>A on the plus strand (G>T on the coding strand, the complement: C2CD3 is on the minus strand). VCF-style: chr11-74078459-C-A. GRCh37 (hg19) VCF-style: chr11-73789504-C-A.
Other names: c.4259G>T, p.Cys1420Phe (NM_015531.6); short protein forms C1420F.
Identifiers: ClinVar variation 3895721 (VCV003895721.1).